The following is an entry in ClinVar:

NM_000903.3(NQO1):c.298T>A (p.Phe100Ile)

Gene: NQO1 (NAD(P)H quinone dehydrogenase 1; minus strand). Cytogenetic location: 16q22.1.
Variant type: single nucleotide variant.
Coding change: c.298T>A on transcript NM_000903.3 (MANE Select); coding-DNA position 298, T replaced by A.
Protein change: p.Phe100Ile; replaces phenylalanine 100 with isoleucine.
Molecular consequence: missense variant.
Genome position (GRCh38, 1-based): chr16:69,718,128, A>T on the plus strand (T>A on the coding strand, the complement: NQO1 is on the minus strand). VCF-style: chr16-69718128-A-T. GRCh37 (hg19) VCF-style: chr16-69752031-A-T.
Other names: c.298T>A, p.Phe100Ile (NM_001025433.2, NM_001025434.2, NM_001286137.2); short protein forms F100I.
Identifiers: ClinVar variation 1798509 (VCV001798509.2), dbSNP rs1273530099, ClinGen allele CA396489714.

ClinVar aggregate classification (germline): Uncertain significance (1 of 4 stars; one submission).

Submission:

Ambry Genetics
Classification: Uncertain significance. Last evaluated: 2022-07-11. Review status: criteria provided, single submitter. Criteria: Ambry Variant Classification Scheme 2023. Collection method: clinical testing. Allele origin: germline.
Comment: The p.F100I variant (also known as c.298T>A), located in coding exon 3 of the NQO1 gene, results from a T to A substitution at nucleotide position 298. The phenylalanine at codon 100 is replaced by isoleucine, an amino acid with highly similar properties. This amino acid position is conserved. In addition, the in silico prediction for this alteration is inconclusive. Since supporting evidence is limited at this time, the clinical significance of this alteration remains unclear.